The following is an entry in ClinVar:

ClinVar aggregate classification (germline): Uncertain significance. Review status: reviewed by expert panel (3 of 4 stars). 4 submissions from 4 submitters: Uncertain significance (1). 3 of the submissions do not count toward it. Last evaluated 2023-07-23.

Conditions:
PAH-related disorder. Also called: PAH-related condition.
Phenylketonuria (PKU). Also called: OLIGOPHRENIA PHENYLPYRUVICA; Phenylketonuria (PKU); Phenylketonurias; FOLLING DISEASE. Identifiers: Orphanet 716, MedGen C0031485, MONDO:0009861, OMIM 261600. Disease mechanism: loss of function.

Allele frequency attached by ClinVar (database versions not stated): gnomAD exomes 0.00006 and 0.00005; TOPMed 0.00006; ExAC 0.00004; gnomAD 0.00002.
gnomAD v4.1: 76 of 1,614,028 alleles (0.0047%); highest among the groups gnomAD compares: Admixed American, 0.012%; no homozygotes.

Submissions (4):

ClinGen PAH Variant Curation Expert Panel
Classification: Uncertain significance for Phenylketonuria. Last evaluated: 2023-07-23. Review status: reviewed by expert panel. Criteria: ClinGen PAH ACMG Specifications v1. Collection method: curation. Allele origin: germline. Inheritance: Autosomal recessive inheritance.
Comment: The NM_000277.3:c.870T>C variant in PAH is a synonymous (silent) variant (p.His290=) that is not predicted to impact splicing. To our knowledge, this variant has not been reported in the literature and results of functional studies are unavailable. The highest population minor allele frequency in gnomAD v2.1.1 is 0.0001694 (6/35412 alleles) in the Latino/Admixed American population, which is lower than the ClinGen PAH VCEP’s threshold for PM2_Supporting (<0.0002), meeting this criterion (PM2_Supporting). There is a ClinVar entry for this variant (Variation ID: 991620, 1 star review status) with one submitter classifying the variant as a variant of uncertain significance and one submitter classifying the variant as likely benign. In summary, this variant meets the criteria to be classified as a variant of uncertain significance for PAH deficiency based on the ACMG/AMP criteria applied, as specified by the ClinGen PAH Variant Curation Expert Panel (Specifications Version 2.0): PM2_Supporting.

Labcorp Genetics (formerly Invitae), Labcorp
Classification: Likely benign for Phenylketonuria. Last evaluated: 2025-12-11. Review status: criteria provided, single submitter. Criteria: Invitae Variant Classification Sherloc (09022015). Collection method: clinical testing. Allele origin: germline. Not counted in ClinVar's aggregate classification.

PreventionGenetics, part of Exact Sciences
Classification: Likely benign for PAH-related condition. Last evaluated: 2025-01-28. Review status: criteria provided, single submitter. Criteria: ACMG Guidelines, 2015. Collection method: clinical testing. Allele origin: germline. Not counted in ClinVar's aggregate classification.
Comment: This variant is classified as likely benign based on ACMG/AMP sequence variant interpretation guidelines (Richards et al. 2015 PMID: 25741868, with internal and published modifications).

Natera, Inc.
Classification: Uncertain significance for Phenylketonuria. Last evaluated: 2020-04-17. Review status: no assertion criteria provided. Collection method: clinical testing. Allele origin: germline. Not counted in ClinVar's aggregate classification.

NM_000277.3(PAH):c.870T>C (p.His290=)

Genes: PAH (phenylalanine hydroxylase; minus strand), LOC126861615 (CDK7 strongly-dependent group 2 enhancer GRCh37_chr12:103244689-103245888; plus strand). Cytogenetic location: 12q23.2.
Variant type: single nucleotide variant.
Coding change: c.870T>C on transcript NM_000277.3 (MANE Select); coding-DNA position 870, T replaced by C.
Protein change: p.His290=; no amino-acid change (histidine 290 retained).
Molecular consequence: synonymous variant.
Genome position (GRCh38, 1-based): chr12:102,851,729, A>G on the plus strand (T>C on the coding strand, the complement: PAH is on the minus strand). VCF-style: chr12-102851729-A-G. GRCh37 (hg19) VCF-style: chr12-103245507-A-G.
Other names: NM_000277.3(PAH):c.870T>C; p.His290=; c.870T>C, p.His290= (NM_001354304.2); c.870T>C (NM_000277.1).
Identifiers: ClinVar variation 991620 (VCV000991620.12), dbSNP rs751203209, ClinGen allele CA6748812.
Genomic context (GRCh38, chr12:102,851,729, plus strand): 5'-AAAAAATCCATTCCTTACCTGGGAAAACTGGGCAAAGCTGCGATCTGAAAACAAGGGCAC[A>G]TGTCCCAACAGCTCATGGCAGATGTCACTGAAAGACAGAAAGCACAGAGAGCTCGGAGGG-3'
Protein context (NP_000268.1, residues 280-300): EPDICHELLG[His290=]VPLFSDRSFA